The following is an entry in ClinVar:

NM_001077418.3(TMEM231):c.583-20A>T

Gene: TMEM231 (transmembrane protein 231; minus strand). Cytogenetic location: 16q23.1.
Variant type: single nucleotide variant.
Coding change: c.583-20A>T on transcript NM_001077418.3 (MANE Select); 20 bases into the intron before coding-DNA position 583, A replaced by T.
Molecular consequence: intron variant.
Genome position (GRCh38, 1-based): chr16:75,542,703, T>A on the plus strand (A>T on the coding strand, the complement: TMEM231 is on the minus strand). VCF-style: chr16-75542703-T-A. GRCh37 (hg19) VCF-style: chr16-75576601-T-A.
Other names: c.742-20A>T (NM_001077416.2).
Identifiers: ClinVar variation 257332 (VCV000257332.11), dbSNP rs375984875, ClinGen allele CA8176125.

ClinVar aggregate classification (germline): Likely benign. Review status: criteria provided, multiple submitters, no conflicts (2 of 4 stars). 4 submissions from 4 submitters: Likely benign (4). Last evaluated 2026-02-02.

Conditions:
Joubert syndrome 20 (JBTS20). Identifiers: Orphanet 475, MedGen C3554235, MONDO:0013994, OMIM 614970.
Meckel syndrome, type 11 (MKS11). Identifiers: Orphanet 564, MedGen C3809352, MONDO:0014164, OMIM 615397.

Allele frequency attached by ClinVar (database versions not stated): ExAC 0.00099; 1000 Genomes Project 0.00100; 1000 Genomes Project 30x 0.00125; gnomAD 0.00128; ESP Exome Variant Server 0.00130; TOPMed 0.00160.
gnomAD v4.1: 2,749 of 1,612,656 alleles (0.17%); highest among the groups gnomAD compares: Admixed American, 0.3%; 4 homozygotes.

Submissions (4):

Labcorp Genetics (formerly Invitae), Labcorp
Classification: Likely benign for Joubert syndrome 20; Meckel syndrome, type 11. Last evaluated: 2026-02-02. Review status: criteria provided, single submitter. Criteria: Invitae Variant Classification Sherloc (09022015). Collection method: clinical testing. Allele origin: germline.

Blueprint Genetics
Classification: Likely benign. Last evaluated: 2024-10-24. Review status: criteria provided, single submitter. Criteria: ACMG Guidelines, 2015. Collection method: clinical testing. Allele origin: germline.

GeneDx
Classification: Likely benign. Last evaluated: 2017-10-27. Review status: criteria provided, single submitter. Criteria: GeneDx Variant Classification (06012015). Collection method: clinical testing. Allele origin: germline. Affected: yes.
Comment: This variant is considered likely benign or benign based on one or more of the following criteria: it is a conservative change, it occurs at a poorly conserved position in the protein, it is predicted to be benign by multiple in silico algorithms, and/or has population frequency not consistent with disease.

PreventionGenetics, part of Exact Sciences
Classification: Likely benign. Review status: criteria provided, single submitter. Criteria: ACMG Guidelines, 2015. Collection method: clinical testing. Allele origin: germline.